The following is an entry in ClinVar:

ClinVar aggregate classification (germline): Benign/Likely benign. Review status: criteria provided, multiple submitters, no conflicts (2 of 4 stars). 4 submissions from 3 submitters: Benign (1); Likely benign (3). Last evaluated 2025-12-26.

Conditions:
Autosomal dominant cerebellar ataxia. Also called: Spinocerebellar Ataxia, Dominant. Identifiers: Orphanet 99, MedGen C4087347, MONDO:0020380.
Inborn genetic diseases. Identifiers: MedGen C0950123, MeSH D030342.
Charcot-Marie-Tooth disease axonal type 2O. Also called: Charcot-Marie-Tooth disease, axonal, type 20; CHARCOT-MARIE-TOOTH NEUROPATHY, AXONAL, TYPE 2O; CHARCOT-MARIE-TOOTH DISEASE, AXONAL, AUTOSOMAL DOMINANT, TYPE 2O; Charcot-Marie-Tooth Neuropathy Type 2O. Identifiers: Orphanet 284232, MedGen C3280220, MONDO:0013644, OMIM 614228.

Allele frequency attached by ClinVar (database versions not stated): gnomAD 0.00004 and 0.00001; 1000 Genomes Project 0.00020; TOPMed below 0.00001; ExAC 0.00007; gnomAD exomes 0.00010; 1000 Genomes Project 30x 0.00016.
gnomAD v4.1: 113 of 1,614,138 alleles (0.007%); highest among the groups gnomAD compares: East Asian, 0.25%; no homozygotes.

Submissions (4):

Labcorp Genetics (formerly Invitae), Labcorp
Classification: Benign for Charcot-Marie-Tooth disease axonal type 2O. Last evaluated: 2025-12-26. Review status: criteria provided, single submitter. Criteria: Invitae Variant Classification Sherloc (09022015). Collection method: clinical testing. Allele origin: germline.

Illumina Laboratory Services, Illumina
Classification: Likely benign for Spinocerebellar Ataxia, Dominant. Last evaluated: 2018-01-13. Review status: criteria provided, single submitter. Criteria: ICSL Variant Classification Criteria 13 December 2019. Collection method: clinical testing. Allele origin: germline.
Comment: This variant was observed in the ICSL laboratory as part of a predisposition screen in an ostensibly healthy population. It had not been previously curated by ICSL or reported in the Human Gene Mutation Database (HGMD: prior to June 1st, 2018), and was therefore a candidate for classification through an automated scoring system. Utilizing variant allele frequency, disease prevalence and penetrance estimates, and inheritance mode, an automated score was calculated to assess if this variant is too frequent to cause the disease. Based on the score and internal cut-off values, a variant classified as likely benign is not then subjected to further curation. The score for this variant resulted in a classification of likely benign for this disease.

Illumina Laboratory Services, Illumina
Classification: Likely benign for Charcot-Marie-Tooth disease axonal type 2O. Last evaluated: 2018-01-13. Review status: criteria provided, single submitter. Criteria: ICSL Variant Classification Criteria 13 December 2019. Collection method: clinical testing. Allele origin: germline.
Comment: the same text as in the submission from Illumina Laboratory Services, Illumina above.

Ambry Genetics
Classification: Likely benign for Inborn genetic diseases. Last evaluated: 2017-06-29. Review status: criteria provided, single submitter. Criteria: Ambry Variant Classification Scheme 2023. Collection method: clinical testing. Allele origin: germline.

NM_001376.5(DYNC1H1):c.7200C>A (p.Gly2400=)

Gene: DYNC1H1 (dynein cytoplasmic 1 heavy chain 1; plus strand). Cytogenetic location: 14q32.31.
Variant type: single nucleotide variant.
Coding change: c.7200C>A on transcript NM_001376.5 (MANE Select); coding-DNA position 7200, C replaced by A.
Protein change: p.Gly2400=; no amino-acid change (glycine 2400 retained).
Molecular consequence: synonymous variant.
Genome position (GRCh38, 1-based): chr14:102,015,290, C>A. VCF-style: chr14-102015290-C-A. GRCh37 (hg19) VCF-style: chr14-102481627-C-A.
Identifiers: ClinVar variation 880598 (VCV000880598.14), dbSNP rs549582489, ClinGen allele CA7352757.
Genomic context (GRCh38, chr14:102,015,290, plus strand): 5'-CAGGCTGCGCAGCATCCCGCTGGATGAAGGGGAGGATGAGGCACAGCGGCGGCGTAAGGG[C>A]AAAGAGGATGAGGGGGAGGAGGCCGCTTCCCCCATGCTGCAGGTACGCCCAGGTGGGACC-3'
Protein context (NP_001367.2, residues 2390-2410): GEDEAQRRRK[Gly2400=]KEDEGEEAAS